The following is an entry in ClinVar:

NM_014795.4(ZEB2):c.3G>A (p.Met1Ile)

Gene: ZEB2 (zinc finger E-box binding homeobox 2; minus strand). Cytogenetic location: 2q22.3.
Variant type: single nucleotide variant.
Coding change: c.3G>A on transcript NM_014795.4 (MANE Select); coding-DNA position 3, G replaced by A.
Protein change: p.Met1Ile; changes the start codon (methionine 1).
Molecular consequence: missense variant, initiator codon variant. On other transcripts: non-coding transcript variant (1).
Genome position (GRCh38, 1-based): chr2:144,517,348, C>T on the plus strand (G>A on the coding strand, the complement: ZEB2 is on the minus strand). VCF-style: chr2-144517348-C-T. GRCh37 (hg19) VCF-style: chr2-145274915-C-T.
Other names: c.3G>A, p.Met1Ile (NM_001171653.2); short protein forms M1I.
Identifiers: ClinVar variation 3250926 (VCV003250926.18), dbSNP rs775298805.

ClinVar aggregate classification (germline): Uncertain significance (1 of 4 stars; one submission).

Allele frequency attached by ClinVar (database versions not stated): TOPMed below 0.00001; ExAC 0.00001.

Submission:

CeGaT Center for Human Genetics Tuebingen
Classification: Uncertain significance. Last evaluated: 2024-06-01. Review status: criteria provided, single submitter. Criteria: CeGaT Center For Human Genetics Tuebingen Variant Classification Criteria Version 2. Collection method: clinical testing. Allele origin: germline. Affected: yes. Observed: 1 variant allele.
Comment: ZEB2: PM2, PVS1:Supporting